The following is an entry in ClinVar:

NM_005612.5(REST):c.1114G>C (p.Asp372His)

Gene: REST (RE1 silencing transcription factor; plus strand). Cytogenetic location: 4q12.
Variant type: single nucleotide variant.
Coding change: c.1114G>C on transcript NM_005612.5 (MANE Select); coding-DNA position 1114, G replaced by C.
Protein change: p.Asp372His; replaces aspartic acid 372 with histidine.
Molecular consequence: missense variant.
Genome position (GRCh38, 1-based): chr4:56,929,972, G>C. VCF-style: chr4-56929972-G-C. GRCh37 (hg19) VCF-style: chr4-57796138-G-C.
Other names: c.1114G>C, p.Asp372His (NM_001193508.2, NM_001363453.3); short protein forms D372H.
Identifiers: ClinVar variation 1364055 (VCV001364055.9), dbSNP rs2109572831, ClinGen allele CA357005882.

ClinVar aggregate classification (germline): Uncertain significance. Review status: criteria provided, multiple submitters, no conflicts (2 of 4 stars). 2 submissions from 2 submitters: Uncertain significance (2). Last evaluated 2024-09-19.

Submissions (2):

GeneDx
Classification: Uncertain significance. Last evaluated: 2024-09-19. Review status: criteria provided, single submitter. Criteria: GeneDx Variant Classification Process June 2021. Collection method: clinical testing. Allele origin: germline. Affected: yes.
Comment: Not observed at significant frequency in large population cohorts (gnomAD); In silico analysis supports that this missense variant has a deleterious effect on protein structure/function; Has not been previously published as pathogenic or benign to our knowledge

Labcorp Genetics (formerly Invitae), Labcorp
Classification: Uncertain significance. Last evaluated: 2021-01-11. Review status: criteria provided, single submitter. Criteria: Invitae Variant Classification Sherloc (09022015). Collection method: clinical testing. Allele origin: germline.
Comment: In summary, the available evidence is currently insufficient to determine the role of this variant in disease. Therefore, it has been classified as a Variant of Uncertain Significance. Algorithms developed to predict the effect of missense changes on protein structure and function (SIFT, PolyPhen-2, Align-GVGD) all suggest that this variant is likely to be disruptive, but these predictions have not been confirmed by published functional studies and their clinical significance is uncertain. This variant has not been reported in the literature in individuals with REST-related conditions. This variant is not present in population databases (ExAC no frequency). This sequence change replaces aspartic acid with histidine at codon 372 of the REST protein (p.Asp372His). The aspartic acid residue is highly conserved and there is a moderate physicochemical difference between aspartic acid and histidine.